The following is an entry in ClinVar:

NM_001556.3(IKBKB):c.800+5G>A

Gene: IKBKB (inhibitor of nuclear factor kappa B kinase subunit beta; plus strand). Cytogenetic location: 8p11.21.
Variant type: single nucleotide variant.
Coding change: c.800+5G>A on transcript NM_001556.3 (MANE Select); 5 bases into the intron after coding-DNA position 800, G replaced by A.
Molecular consequence: intron variant.
Genome position (GRCh38, 1-based): chr8:42,314,434, G>A. VCF-style: chr8-42314434-G-A. GRCh37 (hg19) VCF-style: chr8-42171952-G-A.
Other names: c.623+5G>A (NM_001242778.2); c.608+5G>A (NM_001190720.3).
Identifiers: ClinVar variation 3683242 (VCV003683242.2).

ClinVar aggregate classification (germline): Uncertain significance (1 of 4 stars; one submission).

Conditions:
Severe combined immunodeficiency due to IKK2 deficiency. Also called: Immunodeficiency 15; IMMUNODEFICIENCY 15B. Identifiers: Orphanet 397787, MedGen C4747743, MONDO:0014267, OMIM 615592.

gnomAD v4.1: 4 of 1,516,684 alleles (0.00026%); highest among the groups gnomAD compares: Non-Finnish European, 0.00037%; no homozygotes.

Submission:

Labcorp Genetics (formerly Invitae), Labcorp
Classification: Uncertain significance for Severe combined immunodeficiency due to IKK2 deficiency. Last evaluated: 2024-09-10. Review status: criteria provided, single submitter. Criteria: Invitae Variant Classification Sherloc (09022015). Collection method: clinical testing. Allele origin: germline.
Comment: This sequence change falls in intron 9 of the IKBKB gene. It does not directly change the encoded amino acid sequence of the IKBKB protein. It affects a nucleotide within the consensus splice site. This variant is not present in population databases (gnomAD no frequency). This variant has not been reported in the literature in individuals affected with IKBKB-related conditions. Variants that disrupt the consensus splice site are a relatively common cause of aberrant splicing (PMID: 17576681, 9536098). Algorithms developed to predict the effect of sequence changes on RNA splicing suggest that this variant is not likely to affect RNA splicing. In summary, the available evidence is currently insufficient to determine the role of this variant in disease. Therefore, it has been classified as a Variant of Uncertain Significance.

Literature cited by the submitters: PubMed 17576681; PubMed 9536098.